The following is an entry in ClinVar:

ClinVar aggregate classification (germline): Conflicting classifications of pathogenicity. Review status: criteria provided, conflicting classifications (1 of 4 stars). 2 submissions from 2 submitters: Likely pathogenic (1); Uncertain significance (1). Last evaluated 2022-05-10.

Conditions:
Snijders Blok-Campeau syndrome. Also called: INTELLECTUAL DEVELOPMENTAL DISORDER WITH MACROCEPHALY, SPEECH DELAY, AND DYSMORPHIC FACIES. Identifiers: Orphanet 599082, MedGen C4748701, MONDO:0032600, OMIM 618205.

Submissions (2):

MGZ Medical Genetics Center
Classification: Uncertain significance for Snijders Blok-Campeau syndrome. Last evaluated: 2022-05-10. Review status: criteria provided, single submitter. Criteria: ACMG Guidelines, 2015. Collection method: clinical testing. Allele origin: germline. Affected: yes. Observed: 1 variant allele.
Comment: ACMG criteria applied: PM5, PM2_SUP, PP2, PP3

3billion
Classification: Likely pathogenic for Snijders Blok-Campeau syndrome. Last evaluated: 2022-01-03. Review status: criteria provided, single submitter. Criteria: ACMG Guidelines, 2015. Collection method: clinical testing. Allele origin: germline. Affected: yes. Observed: 1 heterozygote.
Comment: A different missense change at the same codon has been reported as pathogenic/likely pathogenic with strong evidence (ClinVar ID: VCV000549729,VCV001073248, PMID:30397230, PM5_M). In silico tool predictions suggest damaging effect of the variant on gene or gene product (REVEL: 0.965, 3CNET: 0.982, PP3_P). A missense variant is a common mechanism associated with Snijders Blok-Campeau syndrome (PP2_P). It is not observed in the gnomAD v2.1.1 dataset (PM2_M). Therefore, this variant is classified as likely pathogenic according to the recommendation of ACMG/AMP guideline.

Literature cited by the submitters: PubMed 30397230 (cited by 3billion).

NM_001005273.3(CHD3):c.2656C>T (p.His886Tyr)

Gene: CHD3 (chromodomain helicase DNA binding protein 3; plus strand). Cytogenetic location: 17p13.1.
Variant type: single nucleotide variant.
Coding change: c.2656C>T on transcript NM_001005273.3 (MANE Select); coding-DNA position 2656, C replaced by T.
Protein change: p.His886Tyr; replaces histidine 886 with tyrosine.
Molecular consequence: missense variant.
Genome position (GRCh38, 1-based): chr17:7,900,007, C>T. VCF-style: chr17-7900007-C-T. GRCh37 (hg19) VCF-style: chr17-7803325-C-T.
Other names: c.2833C>T, p.His945Tyr (NM_001005271.3); c.2656C>T, p.His886Tyr (NM_005852.4); short protein forms H886Y, H945Y.
Identifiers: ClinVar variation 1333400 (VCV001333400.3), dbSNP rs2151569587, ClinGen allele CA397940009.